The following is an entry in ClinVar:

ClinVar aggregate classification (germline): Pathogenic (1 of 4 stars; one submission).

Conditions:
Early-infantile DEE. Also called: Early infantile epileptic encephalopathy; Ohtahara syndrome; Early infantile epileptic encephalopathy with suppression bursts. Identifiers: Orphanet 1934, MedGen C0393706, MONDO:0800491.

Submission:

Labcorp Genetics (formerly Invitae), Labcorp
Classification: Pathogenic for Early-infantile DEE. Last evaluated: 2022-02-02. Review status: criteria provided, single submitter. Criteria: Invitae Variant Classification Sherloc (09022015). Collection method: clinical testing. Allele origin: germline.
Comment: For these reasons, this variant has been classified as Pathogenic. This premature translational stop signal has been observed in individual(s) with Dravet syndrome (PMID: 31864146). This variant is not present in population databases (gnomAD no frequency). This sequence change creates a premature translational stop signal (p.Tyr1458*) in the SCN1A gene. It is expected to result in an absent or disrupted protein product. Loss-of-function variants in SCN1A are known to be pathogenic (PMID: 17347258, 18930999).

Literature cited by the submitters: PubMed 31864146; PubMed 17347258; PubMed 18930999.

NM_001165963.4(SCN1A):c.4374C>A (p.Tyr1458Ter)

Genes: SCN1A (sodium voltage-gated channel alpha subunit 1; minus strand), LOC102724058 (uncharacterized LOC102724058; plus strand). Cytogenetic location: 2q24.3.
Variant type: single nucleotide variant.
Coding change: c.4374C>A on transcript NM_001165963.4 (MANE Select); coding-DNA position 4374, C replaced by A.
Protein change: p.Tyr1458Ter; replaces tyrosine 1458 with a stop codon.
Molecular consequence: nonsense. On other transcripts: non-coding transcript variant (1).
Genome position (GRCh38, 1-based): chr2:165,998,140, G>T on the plus strand (C>A on the coding strand, the complement: SCN1A is on the minus strand). VCF-style: chr2-165998140-G-T. GRCh37 (hg19) VCF-style: chr2-166854650-G-T.
Other names: c.4290C>A, p.Tyr1430Ter (NM_001165964.3, NM_001353957.2, NM_001353958.2); c.4374C>A, p.Tyr1458Ter (NM_001202435.3, NM_001353948.2); c.4341C>A, p.Tyr1447Ter (NM_001353949.2, NM_001353950.2, NM_001353951.2 and 2 more transcripts); c.4338C>A, p.Tyr1446Ter (NM_001353954.2, NM_001353955.2); c.4287C>A, p.Tyr1429Ter (NM_001353960.2); c.1932C>A, p.Tyr644Ter (NM_001353961.2); short protein forms Y1458*, Y644*, Y1429*, Y1447*, Y1430*, Y1446*.
Identifiers: ClinVar variation 1916225 (VCV001916225.5), dbSNP rs1047955739, ClinGen allele CA349049437.